The following is an entry in ClinVar:

ClinVar aggregate classification (germline): Uncertain significance (1 of 4 stars; one submission).

Conditions:
KRT10-related disorder. Also called: KRT10-related condition.

Submission:

PreventionGenetics, part of Exact Sciences
Classification: Uncertain significance for KRT10-related condition. Last evaluated: 2026-03-24. Review status: criteria provided, single submitter. Criteria: ACMG Guidelines, 2015. Collection method: clinical testing. Allele origin: germline.
Comment: The KRT10 c.1572_1573insGGAAGCTCCAGCGGCGGCCACGGCGGCGGA variant is predicted to result in an in-frame amino acid insertion (p.Gly524_Ser525insGlySerSerSerGlyGlyHisGlyGlyGly). To our knowledge, this variant has not been reported in the literature or in a large population database (gnomAD), indicating this variant is rare. At this time, the clinical significance of this variant is uncertain due to the absence of conclusive functional and genetic evidence.

NM_000421.5(KRT10):c.1572_1573insGGAAGCTCCAGCGGCGGCCACGGCGGCGGA (p.Gly524_Ser525insGlySerSerSerGlyGlyHisGlyGlyGly)

Gene: KRT10 (keratin 10; minus strand). Cytogenetic location: 17q21.2.
Variant type: Insertion.
Coding change: c.1572_1573insGGAAGCTCCAGCGGCGGCCACGGCGGCGGA on transcript NM_000421.5 (MANE Select); coding-DNA positions 1572 to 1573, GGAAGCTCCAGCGGCGGCCACGGCGGCGGA inserted.
Protein change: p.Gly524_Ser525insGlySerSerSerGlyGlyHisGlyGlyGly.
Molecular consequence: inframe insertion.
Genome position: GRCh38 VCF-style: chr17-40818962-T-TTCCGCCGCCGTGGCCGCCGCTGGAGCTTCC. GRCh37 (hg19) VCF-style: chr17-38975214-T-TTCCGCCGCCGTGGCCGCCGCTGGAGCTTCC.
Other names: c.1572_1573insGGAAGCTCCAGCGGCGGCCACGGCGGCGGA, p.Gly524_Ser525insGlySerSerSerGlyGlyHisGlyGlyGly (NM_001379366.1).
Identifiers: ClinVar variation 4986305 (VCV004986305.1).